The following is an entry in ClinVar:

NM_001079843.3(CASZ1):c.2259C>T (p.Ala753=)

Gene: CASZ1 (castor zinc finger 1; minus strand). Cytogenetic location: 1p36.22.
Variant type: single nucleotide variant.
Coding change: c.2259C>T on transcript NM_001079843.3 (MANE Select); coding-DNA position 2259, C replaced by T.
Protein change: p.Ala753=; no amino-acid change (alanine 753 retained).
Molecular consequence: synonymous variant.
Genome position (GRCh38, 1-based): chr1:10,653,798, G>A on the plus strand (C>T on the coding strand, the complement: CASZ1 is on the minus strand). VCF-style: chr1-10653798-G-A. GRCh37 (hg19) VCF-style: chr1-10713855-G-A.
Other names: c.2259C>T, p.Ala753= (NM_017766.5).
Identifiers: ClinVar variation 1581658 (VCV001581658.34), dbSNP rs147506563, ClinGen allele CA584907.

ClinVar aggregate classification (germline): Benign/Likely benign. Review status: criteria provided, multiple submitters, no conflicts (2 of 4 stars). 4 submissions from 4 submitters: Benign (2); Likely benign (2). Last evaluated 2026-09-01.

Allele frequency attached by ClinVar (database versions not stated): ESP Exome Variant Server 0.00015; gnomAD 0.00029 and 0.00044; gnomAD exomes 0.00038 and 0.00076; 1000 Genomes Project 30x 0.00047; TOPMed 0.00056; 1000 Genomes Project 0.00060; ExAC 0.00073.
gnomAD v4.1: 665 of 1,609,802 alleles (0.041%); highest among the groups gnomAD compares: East Asian, 0.48%; 5 homozygotes.

Submissions (4):

CeGaT Center for Human Genetics Tuebingen
Classification: Likely benign. Last evaluated: 2026-09-01. Review status: criteria provided, single submitter. Criteria: CeGaT Center For Human Genetics Tuebingen Variant Classification Criteria Version 2. Collection method: clinical testing. Allele origin: germline. Affected: yes. Observed: 3 variant alleles.
Comment: CASZ1: BP4, BP7

Labcorp Genetics (formerly Invitae), Labcorp
Classification: Benign. Last evaluated: 2025-03-26. Review status: criteria provided, single submitter. Criteria: Invitae Variant Classification Sherloc (09022015). Collection method: clinical testing. Allele origin: germline.

Blueprint Genetics
Classification: Likely benign. Last evaluated: 2024-09-18. Review status: criteria provided, single submitter. Criteria: ACMG Guidelines, 2015. Collection method: clinical testing. Allele origin: germline.

Breakthrough Genomics
Classification: Benign. Review status: criteria provided, single submitter. Criteria: ACMG Guidelines, 2015. Collection method: not provided. Allele origin: germline. Inheritance: Unknown mechanism. Affected: yes.